The following is an entry in ClinVar:

ClinVar aggregate classification (germline): Uncertain significance. Review status: criteria provided, single submitter (1 of 4 stars). 2 submissions from 2 submitters: Uncertain significance (1). 1 of the submissions does not count toward it. Last evaluated 2024-11-11.

Conditions:
BTAF1-related disorder. Also called: BTAF1-related condition.

Allele frequency attached by ClinVar (database versions not stated): gnomAD 0.00002; TOPMed 0.00002.
gnomAD v4.1: 58 of 1,613,008 alleles (0.0036%); highest among the groups gnomAD compares: Non-Finnish European, 0.0047%; no homozygotes.

Submissions (2):

Ambry Genetics
Classification: Uncertain significance. Last evaluated: 2024-11-11. Review status: criteria provided, single submitter. Criteria: Ambry Variant Classification Scheme 2023. Collection method: clinical testing. Allele origin: germline.

PreventionGenetics, part of Exact Sciences
Classification: Uncertain significance for BTAF1-related condition. Last evaluated: 2023-11-03. Review status: no assertion criteria provided. Collection method: clinical testing. Allele origin: germline. Not counted in ClinVar's aggregate classification.
Comment: The BTAF1 c.3932A>G variant is predicted to result in the amino acid substitution p.His1311Arg. To our knowledge, this variant has not been reported in the literature. This variant is reported in 0.00088% of alleles in individuals of European (Non-Finnish) descent in gnomAD. At this time, the clinical significance of this variant is uncertain due to the absence of conclusive functional and genetic evidence.

NM_003972.3(BTAF1):c.3932A>G (p.His1311Arg)

Gene: BTAF1 (B-TFIID TATA-box binding protein associated factor 1; plus strand). Cytogenetic location: 10q23.32.
Variant type: single nucleotide variant.
Coding change: c.3932A>G on transcript NM_003972.3 (MANE Select); coding-DNA position 3932, A replaced by G.
Protein change: p.His1311Arg; replaces histidine 1311 with arginine.
Molecular consequence: missense variant. On other transcripts: non-coding transcript variant (14).
Genome position (GRCh38, 1-based): chr10:92,008,947, A>G. VCF-style: chr10-92008947-A-G. GRCh37 (hg19) VCF-style: chr10-93768704-A-G.
Other names: short protein forms H1311R.
Identifiers: ClinVar variation 3050804 (VCV003050804.3), dbSNP rs990161206, ClinGen allele CA211449412.